The following is an entry in ClinVar:

NM_001270508.2(TNFAIP3):c.1643C>G (p.Ser548Cys)

Gene: TNFAIP3 (TNF alpha induced protein 3; plus strand). Cytogenetic location: 6q23.3.
Variant type: single nucleotide variant.
Coding change: c.1643C>G on transcript NM_001270508.2 (MANE Select); coding-DNA position 1643, C replaced by G.
Protein change: p.Ser548Cys; replaces serine 548 with cysteine.
Molecular consequence: missense variant.
Genome position (GRCh38, 1-based): chr6:137,879,088, C>G. VCF-style: chr6-137879088-C-G. GRCh37 (hg19) VCF-style: chr6-138200225-C-G.
Other names: c.1643C>G, p.Ser548Cys (NM_001270507.2, NM_006290.4); short protein forms S548C.
Identifiers: ClinVar variation 2727567 (VCV002727567.3), dbSNP rs1453115418, ClinGen allele CA365793176.

ClinVar aggregate classification (germline): Uncertain significance (1 of 4 stars; one submission).

Submission:

Labcorp Genetics (formerly Invitae), Labcorp
Classification: Uncertain significance. Last evaluated: 2023-06-24. Review status: criteria provided, single submitter. Criteria: Invitae Variant Classification Sherloc (09022015). Collection method: clinical testing. Allele origin: germline.
Comment: In summary, the available evidence is currently insufficient to determine the role of this variant in disease. Therefore, it has been classified as a Variant of Uncertain Significance. Advanced modeling of protein sequence and biophysical properties (such as structural, functional, and spatial information, amino acid conservation, physicochemical variation, residue mobility, and thermodynamic stability) performed at Invitae indicates that this missense variant is not expected to disrupt TNFAIP3 protein function. This variant has not been reported in the literature in individuals affected with TNFAIP3-related conditions. This variant is not present in population databases (gnomAD no frequency). This sequence change replaces serine, which is neutral and polar, with cysteine, which is neutral and slightly polar, at codon 548 of the TNFAIP3 protein (p.Ser548Cys).